The following is an entry in ClinVar:

ClinVar aggregate classification (germline): Uncertain significance (1 of 4 stars; one submission).

Conditions:
PCNT-related disorder. Also called: PCNT-related condition.

Submission:

PreventionGenetics, part of Exact Sciences
Classification: Uncertain significance for PCNT-related condition. Last evaluated: 2025-12-24. Review status: criteria provided, single submitter. Criteria: ACMG Guidelines, 2015. Collection method: clinical testing. Allele origin: germline.
Comment: The PCNT c.6595_6596delinsTT variant is predicted to result in an in-frame deletion and insertion. To our knowledge, this variant has not been reported in the literature or in a large population database (gnomAD), indicating this variant is rare. At this time, the clinical significance of this variant is uncertain due to the absence of conclusive functional and genetic evidence.

NM_006031.6(PCNT):c.6595_6596delinsTT (p.Gly2199Phe)

Gene: PCNT (pericentrin; plus strand). Cytogenetic location: 21q22.3.
Variant type: Indel.
Coding change: c.6595_6596delinsTT on transcript NM_006031.6 (MANE Select); coding-DNA positions 6595 to 6596, GG replaced by TT.
Protein change: p.Gly2199Phe; replaces glycine 2199 with phenylalanine.
Molecular consequence: missense variant.
Genome position (GRCh38, 1-based): chr21:46,416,513-46,416,514, GG replaced by TT. VCF-style: chr21-46416513-GG-TT. GRCh37 (hg19) VCF-style: chr21-47836427-GG-TT.
Other names: c.6241_6242delinsTT, p.Gly2081Phe (NM_001315529.2); short protein forms G2081F, G2199F.
Identifiers: ClinVar variation 4991938 (VCV004991938.1).